The following is an entry in ClinVar:

ClinVar aggregate classification (germline): Uncertain significance (1 of 4 stars; one submission).

Submission:

Labcorp Genetics (formerly Invitae), Labcorp
Classification: Uncertain significance. Last evaluated: 2023-05-18. Review status: criteria provided, single submitter. Criteria: Invitae Variant Classification Sherloc (09022015). Collection method: clinical testing. Allele origin: germline.
Comment: ClinVar contains an entry for this variant (Variation ID: 1001286). This variant, c.4566_4567delinsTT, is a complex sequence change that results in the deletion of 2 amino acids and insertion of 2 amino acid(s) in the POLE protein (p.Gln1522_Met1523delinsHisLeu). Information on the frequency of this variant in the gnomAD database is not available, as this variant may be reported differently in the database. This variant has not been reported in the literature in individuals affected with POLE-related conditions. Experimental studies and prediction algorithms are not available or were not evaluated, and the functional significance of this variant is currently unknown. In summary, the available evidence is currently insufficient to determine the role of this variant in disease. Therefore, it has been classified as a Variant of Uncertain Significance.

NM_006231.4(POLE):c.4566_4567delinsTT (p.Gln1522_Met1523delinsHisLeu)

Gene: POLE (DNA polymerase epsilon, catalytic subunit; minus strand). Cytogenetic location: 12q24.33.
Variant type: Indel.
Coding change: c.4566_4567delinsTT on transcript NM_006231.4 (MANE Select); coding-DNA positions 4566 to 4567, GA replaced by TT.
Protein change: p.Gln1522_Met1523delinsHisLeu.
Molecular consequence: missense variant.
Genome position (GRCh38, 1-based): chr12:132,642,981-132,642,982, TC replaced by AA on the plus strand (GA replaced by TT on the coding strand, the reverse complement: POLE is on the minus strand). VCF-style: chr12-132642981-TC-AA. GRCh37 (hg19) VCF-style: chr12-133219567-TC-AA.
Identifiers: ClinVar variation 1001286 (VCV001001286.8), dbSNP rs2042187343, ClinGen allele CA2072988911.